The following is an entry in ClinVar:

ClinVar aggregate classification (germline): Uncertain significance (1 of 4 stars; one submission).

Allele frequency attached by ClinVar (database versions not stated): TOPMed 0.00002.
gnomAD v4.1: 18 of 1,613,938 alleles (0.0011%); highest among the groups gnomAD compares: Non-Finnish European, 0.0015%; no homozygotes.

Submission:

Labcorp Genetics (formerly Invitae), Labcorp
Classification: Uncertain significance. Last evaluated: 2025-06-09. Review status: criteria provided, single submitter. Criteria: Invitae Variant Classification Sherloc (09022015). Collection method: clinical testing. Allele origin: germline.
Comment: This sequence change replaces valine, which is neutral and non-polar, with leucine, which is neutral and non-polar, at codon 1017 of the ADGRA3 protein (p.Val1017Leu). This variant is present in population databases (rs765544362, gnomAD 0.002%). This variant has not been reported in the literature in individuals affected with ADGRA3-related conditions. ClinVar contains an entry for this variant (Variation ID: 1020725). An algorithm developed to predict the effect of missense changes on protein structure and function (PolyPhen-2) suggests that this variant is likely to be disruptive. In summary, the available evidence is currently insufficient to determine the role of this variant in disease. Therefore, it has been classified as a Variant of Uncertain Significance.

NM_145290.4(ADGRA3):c.3049G>C (p.Val1017Leu)

Gene: ADGRA3 (adhesion G protein-coupled receptor A3; minus strand). Cytogenetic location: 4p15.2.
Variant type: single nucleotide variant.
Coding change: c.3049G>C on transcript NM_145290.4 (MANE Select); coding-DNA position 3049, G replaced by C.
Protein change: p.Val1017Leu; replaces valine 1017 with leucine.
Molecular consequence: missense variant.
Genome position (GRCh38, 1-based): chr4:22,388,622, C>G on the plus strand (G>C on the coding strand, the complement: ADGRA3 is on the minus strand). VCF-style: chr4-22388622-C-G. GRCh37 (hg19) VCF-style: chr4-22390245-C-G.
Other names: short protein forms V1017L.
Identifiers: ClinVar variation 1020725 (VCV001020725.8), dbSNP rs765544362, ClinGen allele CA2873454.
Genomic context (GRCh38, chr4:22,388,622, plus strand): 5'-TTAAACTTGTGGCTCCAAAAACGAAGCTAAAAACCAAGTCCAAAGGGTAATACAAAGAAA[C>G]AGCCAAAGCCCCAAACATCCACAGTGCAACATATAAGAGCAAAGTAAGGCTGGCCCCCAA-3'
Protein context (NP_660333.2, residues 1007-1027): VALWMFGALA[Val1017Leu]SLYYPLDLVF